The following is an entry in ClinVar:

NM_144668.6(CFAP251):c.858C>T (p.Asn286=)

Gene: CFAP251 (cilia and flagella associated protein 251; plus strand). Cytogenetic location: 12q24.31.
Variant type: single nucleotide variant.
Coding change: c.858C>T on transcript NM_144668.6 (MANE Select); coding-DNA position 858, C replaced by T.
Protein change: p.Asn286=; no amino-acid change (asparagine 286 retained).
Molecular consequence: synonymous variant.
Genome position (GRCh38, 1-based): chr12:121,931,856, C>T. VCF-style: chr12-121931856-C-T. GRCh37 (hg19) VCF-style: chr12-122369762-C-T.
Other names: c.858C>T, p.Asn286= (NM_001178003.2).
Identifiers: ClinVar variation 3060148 (VCV003060148.2), dbSNP rs7313748, ClinGen allele CA6840425.

ClinVar aggregate classification (germline): Benign (0 of 4 stars; one submission).

Conditions:
CFAP251-related disorder. Also called: CFAP251-related condition.

Allele frequency attached by ClinVar (database versions not stated): ESP Exome Variant Server 0.22106; TOPMed 0.24017; gnomAD 0.24828; 1000 Genomes Project 30x 0.26936; 1000 Genomes Project 0.27955; gnomAD exomes 0.30044; ExAC 0.32154.
gnomAD v4.1: 471,777 of 1,595,246 alleles (30%); highest among the groups gnomAD compares: East Asian, 48%; 74,155 homozygotes.

Submission:

PreventionGenetics, part of Exact Sciences
Classification: Benign for CFAP251-related condition. Last evaluated: 2019-10-18. Review status: no assertion criteria provided. Collection method: clinical testing. Allele origin: germline.
Comment: This variant is classified as benign based on ACMG/AMP sequence variant interpretation guidelines (Richards et al. 2015 PMID: 25741868, with internal and published modifications).